The following is an entry in ClinVar:

NM_000168.6(GLI3):c.3454G>T (p.Glu1152Ter)

Gene: GLI3 (GLI family zinc finger 3; minus strand). Cytogenetic location: 7p14.1.
Variant type: single nucleotide variant.
Coding change: c.3454G>T on transcript NM_000168.6 (MANE Select); coding-DNA position 3454, G replaced by T.
Protein change: p.Glu1152Ter; replaces glutamic acid 1152 with a stop codon.
Molecular consequence: nonsense.
Genome position (GRCh38, 1-based): chr7:41,965,619, C>A on the plus strand (G>T on the coding strand, the complement: GLI3 is on the minus strand). VCF-style: chr7-41965619-C-A. GRCh37 (hg19) VCF-style: chr7-42005217-C-A.
Other names: short protein forms E1152*.
Identifiers: ClinVar variation 3340339 (VCV003340339.1).

ClinVar aggregate classification (germline): Pathogenic (1 of 4 stars; one submission).

Submission:

GeneDx
Classification: Pathogenic. Last evaluated: 2023-08-01. Review status: criteria provided, single submitter. Criteria: GeneDx Variant Classification Process June 2021. Collection method: clinical testing. Allele origin: germline. Affected: yes.
Comment: Identified in several patients with Pallister-Hall syndrome, however familial segregation studies were not completed (Johnston et al., 2005; McClelland et al., 2022); Nonsense variant predicted to result in protein truncation, as the last 429 amino acids are lost, and other loss-of-function variants have been reported downstream in HGMD; Not observed at significant frequency in large population cohorts (gnomAD); This variant is associated with the following publications: (PMID: 32270976, 15739154, 36165461)